The following is an entry in ClinVar:

ClinVar aggregate classification (germline): Uncertain significance (1 of 4 stars; one submission).

Submission:

GeneDx
Classification: Uncertain significance. Last evaluated: 2026-04-09. Review status: criteria provided, single submitter. Criteria: GeneDx Variant Classification Process June 2021. Collection method: clinical testing. Allele origin: germline.
Comment: Not observed at significant frequency in large population cohorts (gnomAD); In silico analysis supports that this missense variant has a deleterious effect on protein structure/function; Has not been previously published as pathogenic or benign to our knowledge

NM_002547.3(OPHN1):c.595C>A (p.Pro199Thr)

Gene: OPHN1 (oligophrenin 1; minus strand). Cytogenetic location: Xq12.
Variant type: single nucleotide variant.
Coding change: c.595C>A on transcript NM_002547.3 (MANE Select); coding-DNA position 595, C replaced by A.
Protein change: p.Pro199Thr; replaces proline 199 with threonine.
Molecular consequence: missense variant.
Genome position (GRCh38, 1-based): chrX:68,213,864, G>T on the plus strand (C>A on the coding strand, the complement: OPHN1 is on the minus strand). VCF-style: chrX-68213864-G-T. GRCh37 (hg19) VCF-style: chrX-67433706-G-T.
Other names: c.595C>A, p.Pro199Thr (NM_001437258.1); short protein forms P199T.
Identifiers: ClinVar variation 5016733 (VCV005016733.1).